The following is an entry in ClinVar:

ClinVar aggregate classification (germline): Pathogenic (1 of 4 stars; one submission).

Allele frequency attached by ClinVar (database versions not stated): gnomAD exomes below 0.00001; TOPMed 0.00001.

Submission:

Labcorp Genetics (formerly Invitae), Labcorp
Classification: Pathogenic. Last evaluated: 2023-05-01. Review status: criteria provided, single submitter. Criteria: Invitae Variant Classification Sherloc (09022015). Collection method: clinical testing. Allele origin: germline.
Comment: This variant disrupts a region of the LCA5 protein in which other variant(s) (p.Lys586*) have been determined to be pathogenic (PMID: 23946133, 27624628). This suggests that this is a clinically significant region of the protein, and that variants that disrupt it are likely to be disease-causing. For these reasons, this variant has been classified as Pathogenic. This variant has not been reported in the literature in individuals affected with LCA5-related conditions. This variant is not present in population databases (gnomAD no frequency). This sequence change creates a premature translational stop signal (p.Gln580*) in the LCA5 gene. While this is not anticipated to result in nonsense mediated decay, it is expected to disrupt the last 118 amino acid(s) of the LCA5 protein.

Literature cited by the submitters: PubMed 23946133; PubMed 27624628.

NM_001122769.3(LCA5):c.1738C>T (p.Gln580Ter)

Gene: LCA5 (lebercilin LCA5; minus strand). Cytogenetic location: 6q14.1.
Variant type: single nucleotide variant.
Coding change: c.1738C>T on transcript NM_001122769.3 (MANE Select); coding-DNA position 1738, C replaced by T.
Protein change: p.Gln580Ter; replaces glutamine 580 with a stop codon.
Molecular consequence: nonsense.
Genome position (GRCh38, 1-based): chr6:79,487,360, G>A on the plus strand (C>T on the coding strand, the complement: LCA5 is on the minus strand). VCF-style: chr6-79487360-G-A. GRCh37 (hg19) VCF-style: chr6-80197077-G-A.
Other names: c.1738C>T, p.Gln580Ter (NM_181714.4); short protein forms Q580*.
Identifiers: ClinVar variation 2861401 (VCV002861401.4), dbSNP rs1769695958, ClinGen allele CA364638777.